The following is an entry in ClinVar:

NM_004638.4(PRRC2A):c.2796C>T (p.Ser932=)

Gene: PRRC2A (proline rich coiled-coil 2A; plus strand). Cytogenetic location: 6p21.33.
Variant type: single nucleotide variant.
Coding change: c.2796C>T on transcript NM_004638.4 (MANE Select); coding-DNA position 2796, C replaced by T.
Protein change: p.Ser932=; no amino-acid change (serine 932 retained).
Molecular consequence: synonymous variant.
Genome position (GRCh38, 1-based): chr6:31,631,469, C>T. VCF-style: chr6-31631469-C-T. GRCh37 (hg19) VCF-style: chr6-31599246-C-T.
Other names: c.2796C>T, p.Ser932= (NM_080686.3).
Identifiers: ClinVar variation 4084413 (VCV004084413.8).

ClinVar aggregate classification (germline): Likely benign (1 of 4 stars; one submission).

Submission:

CeGaT Center for Human Genetics Tuebingen
Classification: Likely benign. Last evaluated: 2025-07-01. Review status: criteria provided, single submitter. Criteria: CeGaT Center For Human Genetics Tuebingen Variant Classification Criteria Version 2. Collection method: clinical testing. Allele origin: germline. Affected: yes. Observed: 1 variant allele.
Comment: PRRC2A: BP4, BP7